The following is an entry in ClinVar:

NM_001288705.3(CSF1R):c.551G>C (p.Arg184Thr)

Gene: CSF1R (colony stimulating factor 1 receptor; minus strand). Cytogenetic location: 5q32.
Variant type: single nucleotide variant.
Coding change: c.551G>C on transcript NM_001288705.3 (MANE Select); coding-DNA position 551, G replaced by C.
Protein change: p.Arg184Thr; replaces arginine 184 with threonine.
Molecular consequence: missense variant. On other transcripts: non-coding transcript variant (2).
Genome position (GRCh38, 1-based): chr5:150,080,093, C>G on the plus strand (G>C on the coding strand, the complement: CSF1R is on the minus strand). VCF-style: chr5-150080093-C-G. GRCh37 (hg19) VCF-style: chr5-149459656-C-G.
Other names: c.551G>C, p.Arg184Thr (NM_001349736.2, NM_001375320.1, NM_005211.4); c.107G>C, p.Arg36Thr (NM_001375321.1); short protein forms R184T, R36T.
Identifiers: ClinVar variation 4278903 (VCV004278903.1).

ClinVar aggregate classification (germline): Uncertain significance (1 of 4 stars; one submission).

Submission:

GeneDx
Classification: Uncertain significance. Last evaluated: 2025-04-02. Review status: criteria provided, single submitter. Criteria: GeneDx Variant Classification Process June 2021. Collection method: clinical testing. Allele origin: germline. Affected: yes.
Comment: Not observed at significant frequency in large population cohorts (gnomAD); In silico analysis supports that this missense variant has a deleterious effect on protein structure/function; Has not been previously published as pathogenic or benign to our knowledge